The following is an entry in ClinVar:

NM_000237.3(LPL):c.953A>G (p.Asn318Ser)

Gene: LPL (lipoprotein lipase; plus strand). Cytogenetic location: 8p21.3.
Variant type: single nucleotide variant.
Coding change: c.953A>G on transcript NM_000237.3 (MANE Select); coding-DNA position 953, A replaced by G.
Protein change: p.Asn318Ser; replaces asparagine 318 with serine.
Molecular consequence: missense variant.
Genome position (GRCh38, 1-based): chr8:19,956,018, A>G. VCF-style: chr8-19956018-A-G. GRCh37 (hg19) VCF-style: chr8-19813529-A-G.
Other names: N291S; short protein forms N318S.
Identifiers: ClinVar variation 1550 (VCV000001550.45), dbSNP rs268, ClinGen allele CA251887.
Genomic context (GRCh38, chr8:19,956,018, plus strand): 5'-AGAAAGGGCTCTGCTTGAGTTGTAGAAAGAACCGCTGCAACAATCTGGGCTATGAGATCA[A>G]TAAAGTCAGAGCCAAAAGAAGCAGCAAAATGTACCTGAAGACTCGTTCTCAGATGCCCTA-3'
Protein context (NP_000228.1, residues 308-328): NRCNNLGYEI[Asn318Ser]KVRAKRSSKM

ClinVar aggregate classification (germline): Conflicting classifications of pathogenicity. Review status: criteria provided, conflicting classifications (1 of 4 stars). 23 submissions from 23 submitters: Uncertain significance (11); Benign (5); Likely benign (2). 5 of the submissions do not count toward it. Last evaluated 2026-02-16.

Conditions:
Cardiovascular phenotype. Identifiers: MedGen CN230736.
Hyperlipidemia, familial combined, susceptibility to. Identifiers: MedGen C4016424.
Hyperlipidemia, familial combined, LPL related (FCHL3). Also called: Hyperapobetalipoproteinemia. Identifiers: MedGen C0020474, MONDO:0007759, OMIM 144250, HP:0008158.
Hyperlipoproteinemia, type I. Also called: Familial hyperlipo-proteinemia type 1; Hyperlipemia essential familial; Lipoprotein Lipase Deficiency; Hyperlipoproteinemia type 1; Hyperchylomicro-nemia familial; Familial chylomicronemia. Identifiers: Orphanet 309015, Orphanet 444490, MedGen C0023817, MONDO:0009387, OMIM 238600. Disease mechanism: loss of function.

Allele frequency attached by ClinVar (database versions not stated): 1000 Genomes Project 30x 0.00468; 1000 Genomes Project 0.00519; TOPMed 0.01104; gnomAD exomes 0.01278 and 0.01615; gnomAD 0.01285 and 0.01327; ExAC 0.01336.

Submissions 1 to 15 of 23:

Foundation for Research in Genetics and Endocrinology, FRIGE's Institute of Human Genetics
Classification: Uncertain significance for Hyperlipidemia, familial combined, LPL related. Last evaluated: 2026-02-16. Review status: criteria provided, single submitter. Criteria: ACMG Guidelines, 2015. Collection method: clinical testing. Allele origin: germline. Inheritance: Autosomal dominant inheritance. Affected: yes. Observed: 1 heterozygote.
Comment: The heterozygous missense variant c.953A>G (p.Asn318Ser), has been detected in the LPL gene on chromosomal position chr8:19956018:A>G. It is located in exon 6 of the transcript NM_000237.3 and it leads to a change in amino acid from Asparagine to Serine at codon 318. This variant has been reported in population frequency databases such as gnomAD (MAF-1.5712%) and in ExAC (MAF-1.3363%). This variant is predicted to be deleterious by in silico prediction tools such MutationTaster and DANN. In summary, the variant meets our criteria to be classified as variant of uncertain significance.

Labcorp Genetics (formerly Invitae), Labcorp
Classification: Benign. Last evaluated: 2026-02-04. Review status: criteria provided, single submitter. Criteria: Invitae Variant Classification Sherloc (09022015). Collection method: clinical testing. Allele origin: germline.

Victorian Clinical Genetics Services, Murdoch Childrens Research Institute
Classification: Uncertain significance for Hyperlipidemia, familial combined, LPL related. Last evaluated: 2025-05-01. Review status: criteria provided, single submitter. Criteria: ACMG Guidelines, 2015. Collection method: clinical testing. Allele origin: germline. Affected: yes.
Comment: This variant is classified as VUS-3C. Evidence in support of pathogenic classification: This variant has moderate functional evidence supporting abnormal protein function. This variant causes reduced LPL activity demonstrated using transfected cells (PMID: 30685441). Additional information: Variant is predicted to result in a missense amino acid change from asparagine to serine; This variant is heterozygous; This gene is associated with both recessive and dominant disease (OMIM); Variant is present in gnomAD >=0.01 and <0.03 for a recessive condition (v4: 24,893 heterozygote(s), 243 homozygote(s)); Previous reports of pathogenicity for this variant are conflicting. This is a common risk allele reported as significantly overrepresented in individuals with hyperlipoproteinemia (PMID: 20429872, 8808493, 25897955, 9498535, 22239554, 18068174, 30333156). It has also been classified by clinical laboratories in ClinVar as VUS, benign and likely benign; No comparable missense variants have previous evidence for pathogenicity; Variant is located in the annotated lipase domain (DECIPHER); Missense variant with inconclusive in silico prediction and uninformative conservation; Loss of function is a known mechanism of disease in this gene and is associated with dominant familial combined hyperlipidaemia (MIM#144250) and recessive lipoprotein lipase deficiency (MIM#238600) known as type I hyperlipoproteinaemia (T1HLP); Variants in this gene are known to have variable expressivity (PMID: 12204001).

Molecular Diagnostic Laboratory for Inherited Cardiovascular Disease, Montreal Heart Institute
Classification: Uncertain significance for Cardiovascular phenotype. Last evaluated: 2025-04-08. Review status: criteria provided, single submitter. Criteria: ACMG Guidelines, 2015. Collection method: clinical testing. Allele origin: germline. Affected: yes.
Comment: PS3_mod;PM1;PP2;BS1;BP4

Blueprint Genetics
Classification: Likely benign. Last evaluated: 2024-11-22. Review status: criteria provided, single submitter. Criteria: ACMG Guidelines, 2015. Collection method: clinical testing. Allele origin: germline.

Revvity Omics, Revvity
Classification: Uncertain significance. Last evaluated: 2024-07-15. Review status: criteria provided, single submitter. Criteria: ACMG Guidelines, 2015. Collection method: clinical testing. Allele origin: germline.

Clinical Genomics Laboratory, Washington University in St. Louis
Classification: Uncertain significance for Hyperlipoproteinemia, type I. Last evaluated: 2024-01-04. Review status: criteria provided, single submitter. Criteria: ACMG Guidelines, 2015. Collection method: clinical testing. Allele origin: germline.
Comment: The LPL c.953A>G (p.Asn318Ser) variant, also reported as p.Asn291Ser, has been reported in multiple individuals as a risk factor for familial combined hyperlipidemia (Berg SM et al., PMID: 28502509; Hoffer MJ et al., PMID: 8808493; Lopez-Ruiz A et al., PMID: 19335919; Reymer PW et al., PMID: 8541837; Syvanne M et al., PMID: 8732773). The highest population minor allele frequency in the population database genome aggregation database (v.2.1.1) is 2.1 % in the European Finnish population which is higher than the incidence of disease (1-2% in the general population). Computational predictors are uncertain as to the impact of this variant on LPL function. This variant has been reported in the ClinVar database as a germline variant, ranging from benign to likely pathogenic. Due to limited information, and based on ACMG/AMP guidelines for variant interpretation (Richards S et al., PMID: 25741868), the clinical significance of this variant is uncertain at this time.

Laboratory for Molecular Medicine, Mass General Brigham Personalized Medicine
Classification: Likely benign. Last evaluated: 2024-01-02. Review status: criteria provided, single submitter. Criteria: ACMG Guidelines, 2015. Collection method: clinical testing. Allele origin: germline.
Comment: The p.Asn318Ser variant in LPL is classified as likely benign because it has been identified in 2.3% (239/10624) of European chromosomes by gnomAD including 14 total homozygotes (v.3). ACMG/AMP Criteria applied: BS1.

Genomic Research Center, Shahid Beheshti University of Medical Sciences
Classification: Uncertain significance for Hyperlipidemia, familial combined, LPL related. Last evaluated: 2023-12-10. Review status: criteria provided, single submitter. Criteria: ACMG Guidelines, 2015. Collection method: clinical testing. Allele origin: inherited. Affected: yes.

Institute of Human Genetics, University of Leipzig Medical Center
Classification: Uncertain significance for Hyperlipidemia, familial combined, LPL related. Last evaluated: 2023-04-03. Review status: criteria provided, single submitter. Criteria: ACMG Guidelines, 2015. Collection method: clinical testing. Allele origin: paternal. Inheritance: Autosomal dominant inheritance. Affected: yes.
Comment: Criteria applied: PS3_SUP, PS4_SUP, PM5_SUP

Mayo Clinic Laboratories, Mayo Clinic
Classification: Benign. Last evaluated: 2023-02-03. Review status: criteria provided, single submitter. Criteria: ACMG Guidelines, 2015. Collection method: clinical testing. Allele origin: germline. Observed: 34 variant alleles.

Women's Health and Genetics/Laboratory Corporation of America, LabCorp
Classification: Benign. Last evaluated: 2022-03-14. Review status: criteria provided, single submitter. Criteria: LabCorp Variant Classification Summary - May 2015. Collection method: clinical testing. Allele origin: germline.
Comment: Variant summary: LPL c.953A>G (p.Asn318Ser) results in a conservative amino acid change in the encoded protein sequence. Four of five in-silico tools predict a benign effect of the variant on protein function. The variant allele was found at a frequency of 0.013 in 251336 control chromosomes in the gnomAD database, including 32 homozygotes. The observed variant frequency is approximately 3.8 fold of the estimated maximal expected allele frequency for a pathogenic variant in LPL causing Familial Lipoprotein Lipase Deficiency phenotype (0.0034), strongly suggesting that the variant is benign. Although reported in the literature, to our knowledge, no penetrant association of c.953A>G in individuals affected with Familial Lipoprotein Lipase Deficiency have been reported. Based on the evidence outlined above, the variant was classified as benign.

Genome-Nilou Lab
Classification: Uncertain significance for Hyperlipoproteinemia, type I. Last evaluated: 2021-05-18. Review status: criteria provided, single submitter. Criteria: ACMG Guidelines, 2015. Collection method: clinical testing. Allele origin: germline. Affected: no.

New York Genome Center
Classification: Uncertain significance for Hyperlipidemia, familial combined, LPL related; Hyperlipoproteinemia, type I. Last evaluated: 2020-12-22. Review status: criteria provided, single submitter. Criteria: NYGC Assertion Criteria 2020. Collection method: clinical testing. Allele origin: germline. Observed: 1 heterozygote.

GeneDx
Classification: Benign. Last evaluated: 2020-02-06. Review status: criteria provided, single submitter. Criteria: GeneDx Variant Classification Process June 2021. Collection method: clinical testing. Allele origin: germline. Affected: yes.
Comment: This variant is associated with the following publications: (PMID: 8732773, 8808493, 32041611, 8872057, 28267856, 26975783, 31619059, 29431110, 28502509, 27055971, 28008009, 7647785, 19335919, 24503134, 20650961, 7607318, 22691586, 24507774, 18922999)